The following is an entry in ClinVar:

ClinVar aggregate classification (germline): Pathogenic. Review status: criteria provided, multiple submitters, no conflicts (2 of 4 stars). 5 submissions from 5 submitters: Pathogenic (5). Last evaluated 2024-12-27.

Conditions:
Hereditary nonpolyposis colorectal neoplasms. Identifiers: MedGen C0009405, MeSH D003123.
Lynch syndrome 5 (LYNCH5). Also called: Colorectal cancer, hereditary nonpolyposis, type 5; Hereditary non-polyposis colorectal cancer, type 5. Identifiers: Orphanet 144, MedGen C1833477, MONDO:0013710, OMIM 614350. Disease mechanism: loss of function.
Lynch syndrome. Identifiers: Orphanet 144, MedGen C4552100, MONDO:0005835. Disease mechanism: loss of function.
Hereditary cancer-predisposing syndrome. Also called: Tumor predisposition; Hereditary Cancer Syndrome; Neoplastic Syndromes, Hereditary; Hereditary neoplastic syndrome. Identifiers: Orphanet 140162, MedGen C0027672, MeSH D009386, MONDO:0015356.

Submissions (5):

Myriad Genetics, Inc.
Classification: Pathogenic for Lynch syndrome 5. Last evaluated: 2024-12-27. Review status: criteria provided, single submitter. Criteria: Myriad Autosomal Dominant, Autosomal Recessive and X-Linked Classification Criteria (2023). Collection method: clinical testing. Allele origin: unknown.
Comment: This variant is considered pathogenic. This variant creates a frameshift predicted to result in premature protein truncation.

All of Us Research Program, National Institutes of Health
Classification: Pathogenic for Lynch syndrome. Last evaluated: 2024-02-12. Review status: criteria provided, single submitter. Criteria: ACMG Guidelines, 2015. Collection method: clinical testing. Allele origin: germline. Inheritance: Autosomal dominant inheritance. Observed: 1 variant allele, 1 heterozygote.
Comment: This variant is predicted to result in loss of protein function through nonsense-mediated decay or protein truncation. Loss of function is an established mechanism of disease. This variant is absent from large population databases, including the Genome Aggregation Database. To date, this variant has not been reported in association with human disease in the medical literature.

This study involves interpretation of variants in research participants for the purpose of population health screening. Participant phenotype was not available at the time of variant classification. Additional details can be found in publication PMID: 35346344, PMCID: PMC8962531

GeneDx
Classification: Pathogenic. Last evaluated: 2023-07-30. Review status: criteria provided, single submitter. Criteria: GeneDx Variant Classification Process June 2021. Collection method: clinical testing. Allele origin: germline. Affected: yes.
Comment: Frameshift variant predicted to result in protein truncation or nonsense mediated decay in a gene for which loss of function is a known mechanism of disease; Not observed at significant frequency in large population cohorts (gnomAD); Truncating variants in this gene are considered pathogenic by a well-established clinical consortium and/or database; Has not been previously published as pathogenic or benign to our knowledge; This variant is associated with the following publications: (PMID: 24362816, 18269114)

Ambry Genetics
Classification: Pathogenic for Hereditary cancer-predisposing syndrome. Last evaluated: 2023-05-02. Review status: criteria provided, single submitter. Criteria: Ambry Variant Classification Scheme 2023. Collection method: clinical testing. Allele origin: germline.
Comment: The c.2902dupG pathogenic mutation, located in coding exon 4 of the MSH6 gene, results from a duplication of G at nucleotide position 2902, causing a translational frameshift with a predicted alternate stop codon (p.V968Gfs*7). This alteration is expected to result in loss of function by premature protein truncation or nonsense-mediated mRNA decay. As such, this alteration is interpreted as a disease-causing mutation.

Labcorp Genetics (formerly Invitae), Labcorp
Classification: Pathogenic for Hereditary nonpolyposis colorectal neoplasms. Last evaluated: 2023-01-10. Review status: criteria provided, single submitter. Criteria: Invitae Variant Classification Sherloc (09022015). Collection method: clinical testing. Allele origin: germline.
Comment: For these reasons, this variant has been classified as Pathogenic. ClinVar contains an entry for this variant (Variation ID: 821954). This variant has not been reported in the literature in individuals affected with MSH6-related conditions. This variant is not present in population databases (gnomAD no frequency). This sequence change creates a premature translational stop signal (p.Val968Glyfs*7) in the MSH6 gene. It is expected to result in an absent or disrupted protein product. Loss-of-function variants in MSH6 are known to be pathogenic (PMID: 18269114, 24362816).

Literature cited by the submitters: PubMed 18269114 (cited by Labcorp Genetics (formerly Invitae), Labcorp); PubMed 24362816 (cited by Labcorp Genetics (formerly Invitae), Labcorp).

NM_000179.3(MSH6):c.2902dup (p.Val968fs)

Gene: MSH6 (mutS homolog 6; plus strand). Cytogenetic location: 2p16.3.
Variant type: Duplication.
Coding change: c.2902dup on transcript NM_000179.3 (MANE Select); coding-DNA position 2902, one base duplicated (G; older notation c.2902dupG).
Protein change: p.Val968fs; shifts the reading frame from valine 968.
Molecular consequence: frameshift variant.
Genome position (GRCh38, 1-based): chr2:47,800,885, G duplicated. VCF-style (leftmost placement, unchanged base first): chr2-47800884-A-AG. GRCh37 (hg19) VCF-style: chr2-48028023-A-AG.
Other names: c.1996dup, p.Val666fs (NM_001281493.2, NM_001281494.2); c.2512dup, p.Val838fs (NM_001281492.2); c.2902dupG (NM_000179.2); c.2902dup (NM_000179.2); short protein forms V968fs, V666fs, V838fs.
Identifiers: ClinVar variation 821954 (VCV000821954.14), dbSNP rs1572729161, ClinGen allele CA915943939.
Genomic context (GRCh38, chr2:47,800,884, plus strand): 5'-TGAACAGAGCCTCCTGGAATACCTAGAGAAACAGCGCAACAGAATTGGCTGTAGGACCAT[A>AG]GTCTATTGGGGGATTGGTAGGAACCGTTACCAGCTGGAAATTCCTGAGAATTTCACCACT-3'